The following is an entry in ClinVar:

NM_139076.3(ABRAXAS1):c.345G>C (p.Arg115Ser)

Gene: ABRAXAS1 (abraxas 1, BRCA1 A complex subunit; minus strand). Cytogenetic location: 4q21.23.
Variant type: single nucleotide variant.
Coding change: c.345G>C on transcript NM_139076.3 (MANE Select); coding-DNA position 345, G replaced by C.
Protein change: p.Arg115Ser; replaces arginine 115 with serine.
Molecular consequence: missense variant.
Genome position (GRCh38, 1-based): chr4:83,470,334, C>G on the plus strand (G>C on the coding strand, the complement: ABRAXAS1 is on the minus strand). VCF-style: chr4-83470334-C-G. GRCh37 (hg19) VCF-style: chr4-84391487-C-G.
Other names: c.18G>C, p.Arg6Ser (NM_001345962.2); short protein forms R115S, R6S.
Identifiers: ClinVar variation 496535 (VCV000496535.1), dbSNP rs762389463, ClinGen allele CA357260040.

ClinVar aggregate classification (germline): Uncertain significance (1 of 4 stars; one submission).

Allele frequency attached by ClinVar (database versions not stated): TOPMed 0.00003.
gnomAD v4.1: 2 of 1,613,852 alleles (0.00012%); no homozygotes.

Submission:

Women's Health and Genetics/Laboratory Corporation of America, LabCorp
Classification: Uncertain significance. Last evaluated: 2017-04-20. Review status: criteria provided, single submitter. Criteria: LabCorp Variant Classification Summary - May 2015. Collection method: clinical testing. Allele origin: germline.
Comment: Variant summary: The FAM175A c.345G>C (p.Arg115Ser) variant involves the alteration of a non-conserved nucleotide and 2/4 in silico tools (SNPsandGO not captured due to low reliability index) predict a benign outcome, although these predictions have yet to be functionally assessed. This variant is absent in 121262 control chromosomes (ExAC). The variant of interest has not, to our knowledge, been reported in affected individuals via publications and/or reputable databases/clinical diagnostic laboratories; nor evaluated for functional impact by in vivo/vitro studies. Because of the absence of clinical information and the lack of functional studies, the variant is classified as a "Variant of Uncertain Significance (VUS)," until additional information becomes available.